The following is an entry in ClinVar:

ClinVar aggregate classification (germline): Likely benign (0 of 4 stars; one submission).

Conditions:
LAMA5-related disorder. Also called: LAMA5-related condition; LAMA5-Related Disorders.

Submission:

PreventionGenetics, part of Exact Sciences
Classification: Likely benign for LAMA5-related condition. Last evaluated: 2019-08-26. Review status: no assertion criteria provided. Collection method: clinical testing. Allele origin: germline.
Comment: This variant is classified as likely benign based on ACMG/AMP sequence variant interpretation guidelines (Richards et al. 2015 PMID: 25741868, with internal and published modifications).

NM_005560.6(LAMA5):c.6347-35_6347-9dup

Gene: LAMA5 (laminin subunit alpha 5; minus strand). Cytogenetic location: 20q13.33.
Variant type: Duplication.
Coding change: c.6347-35_6347-9dup on transcript NM_005560.6 (MANE Select); 35 bases into the intron before coding-DNA position 6347 through 9 bases into the intron before coding-DNA position 6347, 27 bases duplicated (AGGCCAGCCATGCTCACCCAAGCCCCC).
Molecular consequence: intron variant.
Genome position (GRCh38, 1-based): chr20:62,322,177-62,322,203, GGGGGCTTGGGTGAGCATGGCTGGCCT duplicated on the plus strand (AGGCCAGCCATGCTCACCCAAGCCCCC on the coding strand, the reverse complement: LAMA5 is on the minus strand); duplicating any 27 consecutive bases within chr20:62,322,177-62,322,206 gives the same sequence; the c. name uses the placement nearest the transcript's 3' end. VCF-style (leftmost placement, unchanged base first): chr20-62322176-G-GGGGGGCTTGGGTGAGCATGGCTGGCCT. GRCh37 (hg19) VCF-style: chr20-60897232-G-GGGGGGCTTGGGTGAGCATGGCTGGCCT.
Identifiers: ClinVar variation 3357515 (VCV003357515.1).